The following is an entry in ClinVar:

ClinVar aggregate classification (germline): Uncertain significance (1 of 4 stars; one submission).

Conditions:
LRAT-related disorder. Also called: LRAT-related condition.

gnomAD v4.1: 2 of 985,496 alleles (0.0002%); highest among the groups gnomAD compares: Non-Finnish European, 0.00024%; no homozygotes.

Submission:

3billion
Classification: Uncertain significance for LRAT-related disorder. Last evaluated: 2025-12-17. Review status: criteria provided, single submitter. Criteria: ACMG Guidelines, 2015. Collection method: clinical testing. Allele origin: germline. Affected: yes.
Comment: The variant is observed at an extremely low frequency in the gnomAD v4.1.0 dataset (total allele frequency: <0.001%). Predicted Consequence/Location: Intron variant In silico tools predict the variant to alter splicing and produce an abnormal transcript [SpliceAI: 0.56 (>=0.2, moderate evidence for spliceogenicity)]. Therefore, this variant is classified as VUS according to the recommendation of ACMG/AMP guideline.

NM_004744.5(LRAT):c.541-753T>G

Gene: LRAT (lecithin retinol acyltransferase; plus strand). Cytogenetic location: 4q32.1.
Variant type: single nucleotide variant.
Coding change: c.541-753T>G on transcript NM_004744.5 (MANE Select); 753 bases into the intron before coding-DNA position 541, T replaced by G.
Molecular consequence: intron variant.
Genome position (GRCh38, 1-based): chr4:154,748,231, T>G. VCF-style: chr4-154748231-T-G. GRCh37 (hg19) VCF-style: chr4-155669383-T-G.
Other names: c.541-753T>G (NM_001301645.2).
Identifiers: ClinVar variation 4854055 (VCV004854055.1).